The following is an entry in ClinVar:

NM_173076.3(ABCA12):c.2637C>T (p.Ser879=)

Gene: ABCA12 (ATP binding cassette subfamily A member 12; minus strand). Cytogenetic location: 2q35.
Variant type: single nucleotide variant.
Coding change: c.2637C>T on transcript NM_173076.3 (MANE Select); coding-DNA position 2637, C replaced by T.
Protein change: p.Ser879=; no amino-acid change (serine 879 retained).
Molecular consequence: synonymous variant. On other transcripts: non-coding transcript variant (1).
Genome position (GRCh38, 1-based): chr2:215,004,255, G>A on the plus strand (C>T on the coding strand, the complement: ABCA12 is on the minus strand). VCF-style: chr2-215004255-G-A. GRCh37 (hg19) VCF-style: chr2-215868979-G-A.
Other names: c.1683C>T, p.Ser561= (NM_015657.4).
Identifiers: ClinVar variation 1047921 (VCV001047921.3), dbSNP rs760070967, ClinGen allele CA2091911.
Genomic context (GRCh38, chr2:215,004,255, plus strand): 5'-GAATTTGGACTCACCGAGTTCATCTATCTGTTTCAATAGTTCAACAGCATCGAGTCCCAC[G>A]GAGAACTTTACAAAAACTTGCACAAAAGGGTTCCTTAGAGTATTCTAACAAATAATAATT-3'
Protein context (NP_775099.2, residues 869-889): NPFVQVFVKF[Ser879=]VGLDAVELLK

ClinVar aggregate classification (germline): Uncertain significance (1 of 4 stars; one submission).

Conditions:
Autosomal recessive congenital ichthyosis 4A (LI2). Also called: ICHTHYOSIS CONGENITA IIB. Identifiers: Orphanet 313, MedGen C1832550, MONDO:0011026, OMIM 601277.

Allele frequency attached by ClinVar (database versions not stated): TOPMed 0.00001; ExAC 0.00001; gnomAD 0.00001.

Submission:

Breda Genetics srl
Classification: Uncertain significance for Autosomal recessive congenital ichthyosis 4A. Last evaluated: 2020-05-06. Review status: criteria provided, single submitter. Criteria: ACMG Guidelines, 2015. Collection method: clinical testing. Allele origin: inherited. Inheritance: Autosomal recessive inheritance. Affected: yes. Observed: 1 variant allele, 1 compound heterozygote.
Comment: The variant c.2637C>T (p.Ser879Ser) in the ABCA12 gene is reported with an estimated allele frequency of 0.000007991 in gnomAD exomes and 0.00003184 in gnomAD genomes, with no homozygous individuals reported. The nucleotide position is not conserved across 35 mammalian species (GERP RS: -1.27). This is a synonymous variant, which does not alter the amino acid sequence, and it might have an impact on the splicing process (Human Splicing Finder â€“ HSF 3.0 â€“ predicts that the variant might potentially alter the splicing creating an exonic ESS site or altering an exonic ESE site). Pathogenic variants identified in the ABCA12 gene comprises nonsense changes and small insertions/deletions resulting in premature termination of protein translation; splice site defects and missense changes are less common. Interestingly, Goldsmith et al. (2013) reported the case of a patient with a homozygous synonymous variant located in the middle of exon 24. The milder phenotype, could be explained by the fact that the mutation does not alter a consensus site but deregulates the expression of common transcripts (PMID: 23528209). Moreover, Washio et al. (2017) identified, in a patient with harlequin ichthyosis with a favorable outcome, the silent mutation p.Leu2413Leu, that cause alternative splicing with exon 48 skipping in compound heterozygous state with a splicing mutation (PMID: 28295493). Based on ACMG variant interpretation guidelines, we classify this variant as uncertain. However, on the basis of the aforementioned evidence, there is a given likelihood that the variant may actually be pathogenic, even if we cannot exclude that it is a rare benign variant.

Literature cited by the submitters: PubMed 28295493; PubMed 23528209.